The following is an entry in ClinVar:

NM_000553.6(WRN):c.1149G>T (p.Leu383Phe)

Gene: WRN (WRN RecQ like helicase; plus strand). Cytogenetic location: 8p12.
Variant type: single nucleotide variant.
Coding change: c.1149G>T on transcript NM_000553.6 (MANE Select); coding-DNA position 1149, G replaced by T.
Protein change: p.Leu383Phe; replaces leucine 383 with phenylalanine.
Molecular consequence: missense variant.
Genome position (GRCh38, 1-based): chr8:31,081,176, G>T. VCF-style: chr8-31081176-G-T. GRCh37 (hg19) VCF-style: chr8-30938692-G-T.
Other names: short protein forms L383F.
Identifiers: ClinVar variation 135452 (VCV000135452.66), dbSNP rs4987238, ClinGen allele CA162806.

ClinVar aggregate classification (germline): Conflicting classifications of pathogenicity. Review status: criteria provided, conflicting classifications (1 of 4 stars). 9 submissions from 9 submitters: Uncertain significance (2); Benign (2); Likely benign (4). 1 of the submissions does not count toward it. Last evaluated 2026-09-01.

Conditions:
Inborn genetic diseases. Identifiers: MedGen C0950123, MeSH D030342.
Werner syndrome (WRN). Identifiers: Orphanet 902, MedGen C0043119, MONDO:0010196, OMIM 277700.

Allele frequency attached by ClinVar (database versions not stated): 1000 Genomes Project 30x 0.00031; 1000 Genomes Project 0.00040; gnomAD 0.00148 and 0.00149; TOPMed 0.00175; ExAC 0.00192; ESP Exome Variant Server 0.00192; gnomAD exomes 0.00203 and 0.00212.
gnomAD v4.1: 3,293 of 1,614,040 alleles (0.2%); highest among the groups gnomAD compares: Middle Eastern, 2.7%; 20 homozygotes.

Submissions (9):

CeGaT Center for Human Genetics Tuebingen
Classification: Likely benign. Last evaluated: 2026-09-01. Review status: criteria provided, single submitter. Criteria: CeGaT Center For Human Genetics Tuebingen Variant Classification Criteria Version 2. Collection method: clinical testing. Allele origin: germline. Affected: yes. Observed: 34 variant alleles.
Comment: WRN: BP4

Labcorp Genetics (formerly Invitae), Labcorp
Classification: Benign for Werner syndrome. Last evaluated: 2026-02-02. Review status: criteria provided, single submitter. Criteria: Invitae Variant Classification Sherloc (09022015). Collection method: clinical testing. Allele origin: germline.

Blueprint Genetics
Classification: Likely benign. Last evaluated: 2024-11-25. Review status: criteria provided, single submitter. Criteria: ACMG Guidelines, 2015. Collection method: clinical testing. Allele origin: germline.

Ambry Genetics
Classification: Likely benign for Inborn genetic diseases. Last evaluated: 2021-11-10. Review status: criteria provided, single submitter. Criteria: Ambry Variant Classification Scheme 2023. Collection method: clinical testing. Allele origin: germline.

Institute for Clinical Genetics, University Hospital TU Dresden, University Hospital TU Dresden
Classification: Uncertain significance. Last evaluated: 2021-11-03. Review status: criteria provided, single submitter. Criteria: ACMG Guidelines, 2015. Collection method: clinical testing. Allele origin: germline.

GeneDx
Classification: Benign. Last evaluated: 2019-12-26. Review status: criteria provided, single submitter. Criteria: GeneDx Variant Classification Process June 2021. Collection method: clinical testing. Allele origin: germline. Affected: yes.
Comment: This variant is associated with the following publications: (PMID: 28051113, 24728327)

Illumina Laboratory Services, Illumina
Classification: Uncertain significance for Werner syndrome. Last evaluated: 2018-01-12. Review status: criteria provided, single submitter. Criteria: ICSL Variant Classification Criteria 13 December 2019. Collection method: clinical testing. Allele origin: germline.

Eurofins Ntd Llc (ga)
Classification: Likely benign. Last evaluated: 2016-05-20. Review status: criteria provided, single submitter. Criteria: EGL Classification Definitions 2015. Collection method: clinical testing. Allele origin: germline. Observed: 1 variant allele, 1 heterozygote.

ITMI
No classification provided. Condition: AllHighlyPenetrant. Last evaluated: 2013-09-19. Review status: no classification provided. Collection method: reference population. Allele origin: germline. Not counted in ClinVar's aggregate classification.
Comment: Please see associated publication for description of ethnicities

Literature cited by the submitters: PubMed 24728327 (cited by ITMI).